The following is an entry in ClinVar:

ClinVar aggregate classification (germline): Uncertain significance. Review status: criteria provided, multiple submitters, no conflicts (2 of 4 stars). 2 submissions from 2 submitters: Uncertain significance (2). Last evaluated 2023-11-27.

Conditions:
Hereditary cancer-predisposing syndrome. Also called: Hereditary neoplastic syndrome; Tumor predisposition; Neoplastic Syndromes, Hereditary; Hereditary Cancer Syndrome. Identifiers: Orphanet 140162, MedGen C0027672, MeSH D009386, MONDO:0015356.
Familial adenomatous polyposis 1 (FAP1). Also called: FAMILIAL ADENOMATOUS POLYPOSIS 1, ATTENUATED; POLYPOSIS, ADENOMATOUS INTESTINAL. Identifiers: MedGen C2713442, MONDO:0021056, OMIM 175100. Disease mechanism: loss of function.

Submissions (2):

Labcorp Genetics (formerly Invitae), Labcorp
Classification: Uncertain significance for Familial adenomatous polyposis 1. Last evaluated: 2023-11-27. Review status: criteria provided, single submitter. Criteria: Invitae Variant Classification Sherloc (09022015). Collection method: clinical testing. Allele origin: germline.
Comment: This sequence change replaces serine, which is neutral and polar, with arginine, which is basic and polar, at codon 79 of the APC protein (p.Ser79Arg). This variant is not present in population databases (gnomAD no frequency). This variant has not been reported in the literature in individuals affected with APC-related conditions. ClinVar contains an entry for this variant (Variation ID: 1348851). Advanced modeling of protein sequence and biophysical properties (such as structural, functional, and spatial information, amino acid conservation, physicochemical variation, residue mobility, and thermodynamic stability) performed at Invitae indicates that this missense variant is not expected to disrupt APC protein function with a negative predictive value of 95%. In summary, the available evidence is currently insufficient to determine the role of this variant in disease. Therefore, it has been classified as a Variant of Uncertain Significance.

Ambry Genetics
Classification: Uncertain significance for Hereditary cancer-predisposing syndrome. Last evaluated: 2017-10-03. Review status: criteria provided, single submitter. Criteria: Ambry Variant Classification Scheme 2023. Collection method: clinical testing. Allele origin: germline.
Comment: The p.S79R variant (also known as c.235A>C), located in coding exon 3 of the APC gene, results from an A to C substitution at nucleotide position 235. The serine at codon 79 is replaced by arginine, an amino acid with dissimilar properties. This amino acid position is well conserved in available vertebrate species. In addition, in silico predictors for this gene do not accurately predict pathogenicity. Since supporting evidence is limited at this time, the clinical significance of this alteration remains unclear.

NM_000038.6(APC):c.235A>C (p.Ser79Arg)

Gene: APC (APC regulator of Wnt signaling pathway; plus strand). Cytogenetic location: 5q22.2.
Variant type: single nucleotide variant.
Coding change: c.235A>C on transcript NM_000038.6 (MANE Select); coding-DNA position 235, A replaced by C.
Protein change: p.Ser79Arg; replaces serine 79 with arginine.
Molecular consequence: missense variant. On other transcripts: 5 prime UTR variant (1).
Genome position (GRCh38, 1-based): chr5:112,767,203, A>C. VCF-style: chr5-112767203-A-C. GRCh37 (hg19) VCF-style: chr5-112102900-A-C.
Other names: c.235A>C, p.Ser79Arg (NM_001127510.3, NM_001354895.2, NM_001354896.2 and 2 more transcripts); c.265A>C, p.Ser89Arg (NM_001127511.3, NM_001354897.2, NM_001354902.2); c.160A>C, p.Ser54Arg (NM_001354898.2, NM_001354904.2); c.58A>C, p.Ser20Arg (NM_001354900.2, NM_001354901.2, NM_001354905.2); c.-801A>C (NM_001354906.2); short protein forms S20R, S54R, S79R, S89R.
Identifiers: ClinVar variation 1348851 (VCV001348851.10), dbSNP rs1001856924, ClinGen allele CA16021855.
Genomic context (GRCh38, chr5:112,767,203, plus strand): 5'-TGCTTAAAGCAATTGTTGTATAAAAACTTGTTTCTATTTTATTTAGAGCTTAACTTAGAT[A>C]GCAGTAATTTCCCTGGAGTAAAACTGCGGTCAAAAATGTCCCTCCGTTCTTATGGAAGCC-3'
Protein context (NP_000029.2, residues 69-89): LERLKELNLD[Ser79Arg]SNFPGVKLRS